The following is an entry in ClinVar:

ClinVar aggregate classification (germline): Pathogenic (1 of 4 stars; one submission).

Conditions:
Ehlers-Danlos syndrome, dermatosparaxis type. Also called: EDS VIIC; Dermatosparaxis; Ehlers-Danlos syndrome, type VII, autosomal recessive. Identifiers: Orphanet 1901, MedGen C2700425, MONDO:0009161, OMIM 225410.

Submission:

Myriad Genetics, Inc.
Classification: Pathogenic for Ehlers-Danlos syndrome, dermatosparaxis type. Last evaluated: 2024-05-14. Review status: criteria provided, single submitter. Criteria: Myriad Autosomal Dominant, Autosomal Recessive and X-Linked Classification Criteria (2023). Collection method: clinical testing. Allele origin: unknown.
Comment: NM_014244.4(ADAMTS2):c.75_76ins13(P26Yfs*44) is expected to be pathogenic in the context of Ehlers-Danlos syndrome, ADAMTS2-related. This variant is predicted to lead to an abnormal or absent protein product due to the creation of a premature termination codon in ADAMTS2, a gene where loss-of-function variants are known to be pathogenic. Please note: this variant was assessed in the context of healthy population screening.

NM_014244.5(ADAMTS2):c.75_76insTATAAGAGACAGT (p.Pro26fs)

Gene: ADAMTS2 (ADAM metallopeptidase with thrombospondin type 1 motif 2; minus strand). Cytogenetic location: 5q35.3.
Variant type: Insertion.
Coding change: c.75_76insTATAAGAGACAGT on transcript NM_014244.5 (MANE Select); coding-DNA positions 75 to 76, TATAAGAGACAGT inserted.
Protein change: p.Pro26fs; shifts the reading frame from proline 26.
Molecular consequence: frameshift variant.
Genome position: GRCh38 VCF-style: chr5-179345253-G-GACTGTCTCTTATA. GRCh37 (hg19) VCF-style: chr5-178772254-G-GACTGTCTCTTATA.
Other names: c.75_76insTATAAGAGACAGT, p.Pro26fs (NM_021599.4); short protein forms P26fs.
Identifiers: ClinVar variation 5016377 (VCV005016377.1).